The following is an entry in ClinVar:

ClinVar aggregate classification (germline): Uncertain significance (1 of 4 stars; one submission).

Conditions:
Cardiovascular phenotype. Identifiers: MedGen CN230736.

gnomAD v4.1: 7 of 1,614,128 alleles (0.00043%); highest among the groups gnomAD compares: South Asian, 0.0066%; no homozygotes.

Submission:

Ambry Genetics
Classification: Uncertain significance for Cardiovascular phenotype. Last evaluated: 2026-09-11. Review status: criteria provided, single submitter. Criteria: Ambry Variant Classification Scheme 2023. Collection method: clinical testing. Allele origin: germline.
Comment: The p.T1186I variant (also known as c.3557C>T), located in coding exon 23 of the APOB gene, results from a C to T substitution at nucleotide position 3557. The threonine at codon 1186 is replaced by isoleucine, an amino acid with similar properties. This amino acid position is conserved. In addition, this alteration is predicted to be tolerated by in silico analysis. Based on the available evidence, the clinical significance of this variant remains unclear.

NM_000384.3(APOB):c.3557C>T (p.Thr1186Ile)

Gene: APOB (apolipoprotein B; minus strand). Cytogenetic location: 2p24.1.
Variant type: single nucleotide variant.
Coding change: c.3557C>T on transcript NM_000384.3 (MANE Select); coding-DNA position 3557, C replaced by T.
Protein change: p.Thr1186Ile; replaces threonine 1186 with isoleucine.
Molecular consequence: missense variant.
Genome position (GRCh38, 1-based): chr2:21,015,212, G>A on the plus strand (C>T on the coding strand, the complement: APOB is on the minus strand). VCF-style: chr2-21015212-G-A. GRCh37 (hg19) VCF-style: chr2-21238084-G-A.
Other names: short protein forms T1186I.
Identifiers: ClinVar variation 3416848 (VCV003416848.2).